The following is an entry in ClinVar:

NC_000012.12:g.6867505T>G

Gene: TPI1 (triosephosphate isomerase 1; plus strand). Cytogenetic location: 12p13.31.
Variant type: single nucleotide variant.
Molecular consequence: missense variant (on NM_001159287.1).
Genome position: GRCh38 VCF-style: chr12-6867505-T-G. GRCh37 (hg19) VCF-style: chr12-6976669-T-G.
Other names: p.?; c.50T>G, p.Ile17Arg (NM_001159287.1); short protein forms I17R.
Identifiers: ClinVar variation 811143 (VCV000811143.37), dbSNP rs1800202, ClinGen allele CA6418748.
Genomic context (GRCh38, chr12:6,867,505, plus strand): 5'-CTGGGCGGGCCATGGCGGAGGACGGCGAGGAGGCGGAGTTCCACTTCGCGGCGCTCTATA[T>G]AAGTGGGCAGTGGCCGCGACTGCGCGCAGACACTGACCTTCAGCGCCTCGGCTCCAGCGC-3'

ClinVar aggregate classification (germline): Conflicting classifications of pathogenicity. Review status: criteria provided, conflicting classifications (1 of 4 stars). 5 submissions from 5 submitters: Uncertain significance (3); Likely benign (2). Last evaluated 2026-08-01.

Conditions:
TPI1-related disorder. Also called: TPI1-related condition.
Triosephosphate isomerase deficiency (TPID). Also called: Triose phosphate isomerase deficiency. Identifiers: Orphanet 868, MedGen C1860808, MONDO:0014221, OMIM 615512.

Allele frequency attached by ClinVar (database versions not stated): gnomAD exomes 0.00210; ExAC 0.00612; TOPMed 0.00410; 1000 Genomes Project 30x 0.00437; 1000 Genomes Project 0.00379; gnomAD 0.00329.
gnomAD v4.1: 4,733 of 1,579,330 alleles (0.3%); highest among the groups gnomAD compares: Middle Eastern, 1.4%; 13 homozygotes.

Submissions (5):

CeGaT Center for Human Genetics Tuebingen
Classification: Likely benign. Last evaluated: 2026-08-01. Review status: criteria provided, single submitter. Criteria: CeGaT Center For Human Genetics Tuebingen Variant Classification Criteria Version 2. Collection method: clinical testing. Allele origin: germline. Affected: yes. Observed: 6 variant alleles.
Comment: TPI1: BS2

PreventionGenetics, part of Exact Sciences
Classification: Likely benign for TPI1-related condition. Last evaluated: 2026-04-29. Review status: criteria provided, single submitter. Criteria: ACMG Guidelines, 2015. Collection method: clinical testing. Allele origin: germline.
Comment: This variant is classified as likely benign based on ACMG/AMP sequence variant interpretation guidelines (Richards et al. 2015 PMID: 25741868, with internal and published modifications).

ARUP Laboratories, Molecular Genetics and Genomics, ARUP Laboratories
Classification: Uncertain significance for Triosephosphate isomerase deficiency. Last evaluated: 2025-06-19. Review status: criteria provided, single submitter. Criteria: ARUP Molecular Germline Variant Investigation Process 2024. Collection method: clinical testing. Allele origin: germline.
Comment: The TPI1 c.50T>G; p.Ile17Arg variant (rs1800202; ClinVar Variation ID: 811143), also known as c.-62T>G for NM_000365.6, or -24 T>G in alternative nomenclature, is associated with a small but significant reduction in TPI1 activity using in vivo blood samples (Schneider 1998, Humphries 1999, Watanabe 1996). A single patient has been reported who carried this variant a compound heterozygous state with an additional pathogenic TPI1 variant, though full clinical evaluation was not conducted (Orosz 2006). Further in vitro functional analyses also demonstrate that this variant results in reduced TATA-binding protein interaction (Ponomarenko 2017). This variant is found predominantly in the African population with an allele frequency of 0.69% (130/18,834 alleles) in the Genome Aggregation Database. While the high population frequency suggests that this is likely a benign variant, given the lack of clinical data, the significance of this variant is uncertain at this time. References: Humphries A et al. The consequence of nucleotide substitutions in the triosephosphate isomerase (TPI) gene promoter. Blood Cells Mol Dis. 1999 Jun-Aug;25(3-4):210-7. PMID: 10575546. Orosz F et al. Triosephosphate isomerase deficiency: facts and doubts. IUBMB Life. 2006 58:703-715. PMID: 17424909 Ponomarenko P et al. Candidate SNP Markers of Familial and Sporadic Alzheimer's Diseases Are Predicted by a Significant Change in the Affinity of TATA-Binding Protein for Human Gene Promoters. Front Aging. Neurosci. 2017 9:231. PMID: 28775688 Schneider A et al. The relationship of the -5, -8, and -24 variant alleles in African Americans to triosephosphate isomerase (TPI) enzyme activity and to TPI deficiency. Blood. 1998 92:2959-2962. PMID: 9763583 Watanabe M et al. Molecular analysis of a series of alleles in humans with reduced activity at the triosephosphate isomerase locus. Am J Hum Genet. 1996 58:308-316. PMID: 8571957

Mayo Clinic Laboratories, Mayo Clinic
Classification: Uncertain significance. Last evaluated: 2022-10-18. Review status: criteria provided, single submitter. Criteria: ACMG Guidelines, 2015. Collection method: clinical testing. Allele origin: germline. Observed: 7 variant alleles.

Breakthrough Genomics
Classification: Uncertain significance. Review status: criteria provided, single submitter. Criteria: ACMG Guidelines, 2015. Collection method: not provided. Allele origin: germline. Inheritance: Autosomal recessive inheritance. Affected: yes.